The following is an entry in ClinVar:

NM_015346.4(ZFYVE26):c.7143G>A (p.Gly2381=)

Gene: ZFYVE26 (zinc finger FYVE-type containing 26; minus strand). Cytogenetic location: 14q24.1.
Variant type: single nucleotide variant.
Coding change: c.7143G>A on transcript NM_015346.4 (MANE Select); coding-DNA position 7143, G replaced by A.
Protein change: p.Gly2381=; no amino-acid change (glycine 2381 retained).
Molecular consequence: synonymous variant.
Genome position (GRCh38, 1-based): chr14:67,753,752, C>T on the plus strand (G>A on the coding strand, the complement: ZFYVE26 is on the minus strand). VCF-style: chr14-67753752-C-T. GRCh37 (hg19) VCF-style: chr14-68220469-C-T.
Identifiers: ClinVar variation 514154 (VCV000514154.5), dbSNP rs1555393351, ClinGen allele CA486760823.

ClinVar aggregate classification (germline): Likely benign. Review status: criteria provided, multiple submitters, no conflicts (2 of 4 stars). 2 submissions from 2 submitters: Likely benign (2). Last evaluated 2024-02-16.

Conditions:
Spastic paraplegia. Identifiers: MedGen C0037772, HP:0001258.

Allele frequency attached by ClinVar (database versions not stated): gnomAD exomes below 0.00001.
gnomAD v4.1: 3 of 1,613,464 alleles (0.00019%); highest among the groups gnomAD compares: Non-Finnish European, 0.000085%; no homozygotes.

Submissions (2):

Labcorp Genetics (formerly Invitae), Labcorp
Classification: Likely benign for Spastic paraplegia. Last evaluated: 2024-02-16. Review status: criteria provided, single submitter. Criteria: Invitae Variant Classification Sherloc (09022015). Collection method: clinical testing. Allele origin: germline.

GeneDx
Classification: Likely benign. Last evaluated: 2018-01-04. Review status: criteria provided, single submitter. Criteria: GeneDx Variant Classification (06012015). Collection method: clinical testing. Allele origin: germline. Affected: yes.
Comment: This variant is considered likely benign or benign based on one or more of the following criteria: it is a conservative change, it occurs at a poorly conserved position in the protein, it is predicted to be benign by multiple in silico algorithms, and/or has population frequency not consistent with disease.